The following is an entry in ClinVar:

ClinVar aggregate classification (germline): Uncertain significance (1 of 4 stars; one submission).

Conditions:
Episodic kinesigenic dyskinesia (EKD). Also called: Paroxysmal kinesigenic dyskinesia. Identifiers: Orphanet 98809, MedGen C1868682, MONDO:0044202.

Submission:

Labcorp Genetics (formerly Invitae), Labcorp
Classification: Uncertain significance for Episodic kinesigenic dyskinesia. Last evaluated: 2023-11-27. Review status: criteria provided, single submitter. Criteria: Invitae Variant Classification Sherloc (09022015). Collection method: clinical testing. Allele origin: germline.
Comment: This sequence change replaces aspartic acid, which is acidic and polar, with tyrosine, which is neutral and polar, at codon 143 of the PRRT2 protein (p.Asp143Tyr). This variant is not present in population databases (gnomAD no frequency). This variant has not been reported in the literature in individuals affected with PRRT2-related conditions. ClinVar contains an entry for this variant (Variation ID: 2043464). Advanced modeling of protein sequence and biophysical properties (such as structural, functional, and spatial information, amino acid conservation, physicochemical variation, residue mobility, and thermodynamic stability) performed at Invitae indicates that this missense variant is not expected to disrupt PRRT2 protein function with a negative predictive value of 95%. In summary, the available evidence is currently insufficient to determine the role of this variant in disease. Therefore, it has been classified as a Variant of Uncertain Significance.

NM_145239.3(PRRT2):c.427G>T (p.Asp143Tyr)

Genes: MVP-DT (MVP divergent transcript; minus strand), PRRT2 (proline rich transmembrane protein 2; plus strand). Cytogenetic location: 16p11.2.
Variant type: single nucleotide variant.
Coding change: c.427G>T on transcript NM_145239.3 (MANE Select); coding-DNA position 427, G replaced by T.
Protein change: p.Asp143Tyr; replaces aspartic acid 143 with tyrosine.
Molecular consequence: missense variant.
Genome position (GRCh38, 1-based): chr16:29,813,481, G>T. VCF-style: chr16-29813481-G-T. GRCh37 (hg19) VCF-style: chr16-29824802-G-T.
Other names: c.427G>T, p.Asp143Tyr (NM_001256442.2, NM_001256443.2); short protein forms D143Y.
Identifiers: ClinVar variation 2043464 (VCV002043464.4), dbSNP rs2543333242, ClinGen allele CA395478645.